The following is an entry in ClinVar:

NM_018297.4(NGLY1):c.1167G>A (p.Trp389Ter)

Gene: NGLY1 (N-glycanase 1; minus strand). Cytogenetic location: 3p24.2.
Variant type: single nucleotide variant.
Coding change: c.1167G>A on transcript NM_018297.4 (MANE Select); coding-DNA position 1167, G replaced by A.
Protein change: p.Trp389Ter; replaces tryptophan 389 with a stop codon.
Molecular consequence: nonsense.
Genome position (GRCh38, 1-based): chr3:25,733,965, C>T on the plus strand (G>A on the coding strand, the complement: NGLY1 is on the minus strand). VCF-style: chr3-25733965-C-T. GRCh37 (hg19) VCF-style: chr3-25775456-C-T.
Other names: c.1113G>A, p.Trp371Ter (NM_001145293.2); c.1041G>A, p.Trp347Ter (NM_001145294.2); c.1167G>A, p.Trp389Ter (NM_001145295.2); short protein forms W347*, W371*, W389*.
Identifiers: ClinVar variation 2726944 (VCV002726944.3), dbSNP rs1705687680, ClinGen allele CA351900207.
Genomic context (GRCh38, chr3:25,733,965, plus strand): 5'-TAATGCTTCTTTAACCTTAGTTCTTCTGGCAATCACCTCTTCATGTTTGCAGGAATATCG[C>T]CAAGTGACATCAACTACCTGAAACAAATAACAGAATACAAATACTTAACAAGATTACAAC-3'

ClinVar aggregate classification (germline): Pathogenic (1 of 4 stars; one submission).

Conditions:
Congenital disorder of deglycosylation (CDDG). Identifiers: MedGen C3808991, MONDO:0031376.

Submission:

Labcorp Genetics (formerly Invitae), Labcorp
Classification: Pathogenic for Congenital disorder of deglycosylation. Last evaluated: 2024-02-29. Review status: criteria provided, single submitter. Criteria: Invitae Variant Classification Sherloc (09022015). Collection method: clinical testing. Allele origin: germline.
Comment: This sequence change creates a premature translational stop signal (p.Trp389*) in the NGLY1 gene. It is expected to result in an absent or disrupted protein product. Loss-of-function variants in NGLY1 are known to be pathogenic (PMID: 24651605). This variant is not present in population databases (gnomAD no frequency). This variant has not been reported in the literature in individuals affected with NGLY1-related conditions. For these reasons, this variant has been classified as Pathogenic.

Literature cited by the submitters: PubMed 24651605.